The following is an entry in ClinVar:

NM_001723.7(DST):c.3647G>A (p.Arg1216Gln)

Gene: DST (dystonin; minus strand). Cytogenetic location: 6p12.1.
Variant type: single nucleotide variant.
Coding change: c.3647G>A on transcript NM_001723.7 (MANE Plus Clinical); coding-DNA position 3647, G replaced by A.
Protein change: p.Arg1216Gln; replaces arginine 1216 with glutamine.
Molecular consequence: missense variant. On other transcripts: intron variant (10).
Genome position (GRCh38, 1-based): chr6:56,620,387, C>T on the plus strand (G>A on the coding strand, the complement: DST is on the minus strand). VCF-style: chr6-56620387-C-T. GRCh37 (hg19) VCF-style: chr6-56485185-C-T.
Other names: c.4830+4143G>A (NM_001144769.5); c.4929+4143G>A (NM_001374722.1, NM_001374736.1); c.4956+4143G>A (NM_001374734.1); c.4416+4143G>A (NM_001144770.2); c.4296+4143G>A (NM_001374730.1, NM_001386100.1, NM_183380.4 and 1 more transcripts); c.3318+4143G>A (NM_015548.5); short protein forms R1216Q.
Identifiers: ClinVar variation 655934 (VCV000655934.12), dbSNP rs758665411, ClinGen allele CA3870674.

ClinVar aggregate classification (germline): Uncertain significance. Review status: criteria provided, multiple submitters, no conflicts (2 of 4 stars). 2 submissions from 2 submitters: Uncertain significance (2). Last evaluated 2022-02-07.

Conditions:
Hereditary sensory and autonomic neuropathy type 6. Also called: HSAN VI; Neuropathy, hereditary sensory and autonomic, type VI. Identifiers: Orphanet 314381, MedGen C3539003, MONDO:0013839, OMIM 614653.
Epidermolysis bullosa simplex 3, localized or generalized intermediate, with BP230 deficiency (EBS3). Also called: Epidermolysis bullosa simplex due to BP230 deficiency; Epidermolysis bullosa simplex, autosomal recessive 2. Identifiers: Orphanet 412181, MedGen C3809470, MONDO:0014180, OMIM 615425.

Allele frequency attached by ClinVar (database versions not stated): TOPMed 0.00001; gnomAD 0.00001; ExAC 0.00002; gnomAD exomes 0.00001.
gnomAD v4.1: 25 of 1,614,008 alleles (0.0015%); highest among the groups gnomAD compares: South Asian, 0.011%; no homozygotes.

Submissions (2):

GeneDx
Classification: Uncertain significance. Last evaluated: 2022-02-07. Review status: criteria provided, single submitter. Criteria: GeneDx Variant Classification Process June 2021. Collection method: clinical testing. Allele origin: germline. Affected: yes.
Comment: In silico analysis supports that this missense variant does not alter protein structure/function; Has not been previously published as pathogenic or benign to our knowledge

Labcorp Genetics (formerly Invitae), Labcorp
Classification: Uncertain significance for Epidermolysis bullosa simplex 3, localized or generalized intermediate, with BP230 deficiency; Hereditary sensory and autonomic neuropathy type 6. Last evaluated: 2019-10-09. Review status: criteria provided, single submitter. Criteria: Invitae Variant Classification Sherloc (09022015). Collection method: clinical testing. Allele origin: germline.
Comment: This sequence change replaces arginine with glutamine at codon 1216 of the DST protein (p.Arg1216Gln). The arginine residue is weakly conserved and there is a small physicochemical difference between arginine and glutamine. In summary, the available evidence is currently insufficient to determine the role of this variant in disease. Therefore, it has been classified as a Variant of Uncertain Significance. Algorithms developed to predict the effect of missense changes on protein structure and function (SIFT, PolyPhen-2, Align-GVGD) all suggest that this variant is likely to be tolerated, but these predictions have not been confirmed by published functional studies and their clinical significance is uncertain. This variant has not been reported in the literature in individuals with DST-related disease. This variant is present in population databases (rs758665411, ExAC 0.009%).